The following is an entry in ClinVar:

ClinVar aggregate classification (germline): Uncertain significance (1 of 4 stars; one submission).

Submission:

Ambry Genetics
Classification: Uncertain significance. Last evaluated: 2025-02-01. Review status: criteria provided, single submitter. Criteria: Ambry Variant Classification Scheme 2023. Collection method: clinical testing. Allele origin: germline.
Comment: The p.L568P variant (also known as c.1703T>C), located in coding exon 17 of the NEBL gene, results from a T to C substitution at nucleotide position 1703. The leucine at codon 568 is replaced by proline, an amino acid with similar properties. This amino acid position is conserved. In addition, the in silico prediction for this alteration is inconclusive. Based on the available evidence, the clinical significance of this variant remains unclear.

NM_006393.3(NEBL):c.1703T>C (p.Leu568Pro)

Gene: NEBL (nebulette; minus strand). Cytogenetic location: 10p12.31.
Variant type: single nucleotide variant.
Coding change: c.1703T>C on transcript NM_006393.3 (MANE Select); coding-DNA position 1703, T replaced by C.
Protein change: p.Leu568Pro; replaces leucine 568 with proline.
Molecular consequence: missense variant. On other transcripts: intron variant (9).
Genome position (GRCh38, 1-based): chr10:20,828,603, A>G on the plus strand (T>C on the coding strand, the complement: NEBL is on the minus strand). VCF-style: chr10-20828603-A-G. GRCh37 (hg19) VCF-style: chr10-21117532-A-G.
Other names: c.250-15663T>C (NM_001377326.1, NM_001377327.1, NM_001377328.1); c.358-15663T>C (NM_213569.2, NM_001173484.2, NM_001377322.1); c.301-15663T>C (NM_001377324.1); c.292-15663T>C (NM_001377325.1); c.310-15663T>C (NM_001377323.1); short protein forms L568P.
Identifiers: ClinVar variation 3878619 (VCV003878619.1).